The following is an entry in ClinVar:

ClinVar aggregate classification (germline): Uncertain significance. Review status: criteria provided, single submitter (1 of 4 stars). 2 submissions from 2 submitters: Uncertain significance (1). 1 of the submissions does not count toward it. Last evaluated 2016-03-23.

Conditions:
SOBP-related disorder. Also called: SOBP-related condition.

Allele frequency attached by ClinVar (database versions not stated): gnomAD exomes 0.00008; ExAC 0.00013; 1000 Genomes Project 30x 0.00016; 1000 Genomes Project 0.00020; TOPMed 0.00030; ESP Exome Variant Server 0.00034; gnomAD 0.00034 and 0.00040.
gnomAD v4.1: 104 of 1,610,516 alleles (0.0065%); highest among the groups gnomAD compares: African/African-American, 0.13%; no homozygotes.

Submissions (2):

Genetic Services Laboratory, University of Chicago
Classification: Uncertain significance. Last evaluated: 2016-03-23. Review status: criteria provided, single submitter. Criteria: ACMG Guidelines, 2015. Collection method: clinical testing. Allele origin: germline. Affected: no.

PreventionGenetics, part of Exact Sciences
Classification: Likely benign for SOBP-related condition. Last evaluated: 2019-07-12. Review status: no assertion criteria provided. Collection method: clinical testing. Allele origin: germline. Not counted in ClinVar's aggregate classification.
Comment: This variant is classified as likely benign based on ACMG/AMP sequence variant interpretation guidelines (Richards et al. 2015 PMID: 25741868, with internal and published modifications).

NM_018013.4(SOBP):c.2268G>A (p.Lys756=)

Gene: SOBP (sine oculis binding protein homolog; plus strand). Cytogenetic location: 6q21.
Variant type: single nucleotide variant.
Coding change: c.2268G>A on transcript NM_018013.4 (MANE Select); coding-DNA position 2268, G replaced by A.
Protein change: p.Lys756=; no amino-acid change (lysine 756 retained).
Molecular consequence: synonymous variant.
Genome position (GRCh38, 1-based): chr6:107,635,112, G>A. VCF-style: chr6-107635112-G-A. GRCh37 (hg19) VCF-style: chr6-107956316-G-A.
Identifiers: ClinVar variation 436832 (VCV000436832.8), dbSNP rs377096838, ClinGen allele CA3946640.